The following is an entry in ClinVar:

ClinVar aggregate classification (germline): Likely benign. Review status: criteria provided, single submitter (1 of 4 stars). 2 submissions from 2 submitters: Likely benign (1). 1 of the submissions does not count toward it. Last evaluated 2023-07-18.

Conditions:
NFU1-related disorder. Also called: NFU1-related condition.
Multiple mitochondrial dysfunctions syndrome 1 (MMDS1). Identifiers: Orphanet 401869, MedGen C3276432, MONDO:0011582, OMIM 605711.

Allele frequency attached by ClinVar (database versions not stated): TOPMed below 0.00001; gnomAD 0.00001; ExAC 0.00004; 1000 Genomes Project 30x 0.00016; 1000 Genomes Project 0.00020.
gnomAD v4.1: 43 of 1,582,042 alleles (0.0027%); highest among the groups gnomAD compares: South Asian, 0.048%; 2 homozygotes.

Submissions (2):

Labcorp Genetics (formerly Invitae), Labcorp
Classification: Likely benign for Multiple mitochondrial dysfunctions syndrome 1. Last evaluated: 2023-07-18. Review status: criteria provided, single submitter. Criteria: Invitae Variant Classification Sherloc (09022015). Collection method: clinical testing. Allele origin: germline.

PreventionGenetics, part of Exact Sciences
Classification: Likely benign for NFU1-related condition. Last evaluated: 2020-10-12. Review status: no assertion criteria provided. Collection method: clinical testing. Allele origin: germline. Not counted in ClinVar's aggregate classification.
Comment: This variant is classified as likely benign based on ACMG/AMP sequence variant interpretation guidelines (Richards et al. 2015 PMID: 25741868, with internal and published modifications).

NM_001002755.4(NFU1):c.313A>C (p.Arg105=)

Gene: NFU1 (NFU1 iron-sulfur cluster scaffold; minus strand). Cytogenetic location: 2p13.3.
Variant type: single nucleotide variant.
Coding change: c.313A>C on transcript NM_001002755.4 (MANE Select); coding-DNA position 313, A replaced by C.
Protein change: p.Arg105=; no amino-acid change (arginine 105 retained).
Molecular consequence: synonymous variant. On other transcripts: 5 prime UTR variant (1), non-coding transcript variant (2).
Genome position (GRCh38, 1-based): chr2:69,419,594, T>G on the plus strand (A>C on the coding strand, the complement: NFU1 is on the minus strand). VCF-style: chr2-69419594-T-G. GRCh37 (hg19) VCF-style: chr2-69646726-T-G.
Other names: c.-111A>C (NM_001002756.2); c.241A>C, p.Arg81= (NM_001374284.1, NM_015700.4); c.313A>C (NM_001002755.2).
Identifiers: ClinVar variation 3020305 (VCV003020305.5), dbSNP rs569145992, ClinGen allele CA1694216.